The following is an entry in ClinVar:

ClinVar aggregate classification (germline): Uncertain significance. Review status: criteria provided, multiple submitters, no conflicts (2 of 4 stars). 5 submissions from 5 submitters: Uncertain significance (4). 1 of the submissions does not count toward it. Last evaluated 2026-08-11.

Conditions:
Polycystic kidney disease 4 (PKD4). Also called: POLYCYSTIC KIDNEY DISEASE 4 WITH OR WITHOUT POLYCYSTIC LIVER DISEASE; Autosomal Recessive Polycystic Kidney Disease – PKHD1; PKD3; POLYCYSTIC KIDNEY AND HEPATIC DISEASE 1; POLYCYSTIC KIDNEY DISEASE, INFANTILE, TYPE I. Identifiers: MedGen C4540575, MONDO:0033004, OMIM 263200.
PKHD1-related disorder. Also called: PKHD1-related condition.
Autosomal recessive polycystic kidney disease (ARPKD). Also called: AR polycystic kidney disease. Identifiers: Orphanet 731, Orphanet 8378, MedGen C0085548, MeSH D017044, MONDO:0009889.

Allele frequency attached by ClinVar (database versions not stated): ExAC 0.00001; gnomAD 0.00001 and 0.00002; gnomAD exomes 0.00003 and 0.00004; TOPMed 0.00003.
gnomAD v4.1: 53 of 1,613,994 alleles (0.0033%); highest among the groups gnomAD compares: Admixed American, 0.013%; no homozygotes.

Submissions (5):

PreventionGenetics, part of Exact Sciences
Classification: Uncertain significance for PKHD1-related condition. Last evaluated: 2026-08-11. Review status: criteria provided, single submitter. Criteria: ACMG Guidelines, 2015. Collection method: clinical testing. Allele origin: germline.
Comment: The PKHD1 c.3890C>T variant is predicted to result in the amino acid substitution p.Ala1297Val. This variant was reported along with a second PKHD1 variant in an individual with focal and segmental glomerulosclerosis (Table S4, Wang et al. 2019. PubMed ID: 31308072). This variant is reported in 0.020% of alleles in individuals of Latino descent in gnomAD. At this time, the clinical significance of this variant is uncertain due to the absence of conclusive functional and genetic evidence.

CeGaT Center for Human Genetics Tuebingen
Classification: Uncertain significance. Last evaluated: 2025-01-01. Review status: criteria provided, single submitter. Criteria: CeGaT Center For Human Genetics Tuebingen Variant Classification Criteria Version 2. Collection method: clinical testing. Allele origin: germline. Affected: yes. Observed: 1 variant allele.
Comment: PKHD1: PM2, BP4

Fulgent Genetics
Classification: Uncertain significance for Polycystic kidney disease 4. Last evaluated: 2024-01-21. Review status: criteria provided, single submitter. Criteria: ACMG Guidelines, 2015. Collection method: clinical testing. Allele origin: germline.

Labcorp Genetics (formerly Invitae), Labcorp
Classification: Uncertain significance for Autosomal recessive polycystic kidney disease. Last evaluated: 2022-07-29. Review status: criteria provided, single submitter. Criteria: Invitae Variant Classification Sherloc (09022015). Collection method: clinical testing. Allele origin: germline.
Comment: This sequence change replaces alanine, which is neutral and non-polar, with valine, which is neutral and non-polar, at codon 1297 of the PKHD1 protein (p.Ala1297Val). This variant is present in population databases (rs747436583, gnomAD 0.02%). This variant has not been reported in the literature in individuals affected with PKHD1-related conditions. ClinVar contains an entry for this variant (Variation ID: 188126). Advanced modeling of protein sequence and biophysical properties (such as structural, functional, and spatial information, amino acid conservation, physicochemical variation, residue mobility, and thermodynamic stability) performed at Invitae indicates that this missense variant is not expected to disrupt PKHD1 protein function. In summary, the available evidence is currently insufficient to determine the role of this variant in disease. Therefore, it has been classified as a Variant of Uncertain Significance.

Natera, Inc.
Classification: Uncertain significance for Autosomal recessive polycystic kidney disease. Last evaluated: 2018-06-04. Review status: no assertion criteria provided. Collection method: clinical testing. Allele origin: germline. Not counted in ClinVar's aggregate classification.

NM_138694.4(PKHD1):c.3890C>T (p.Ala1297Val)

Gene: PKHD1 (PKHD1 ciliary IPT domain containing fibrocystin/polyductin; minus strand). Cytogenetic location: 6p12.2.
Variant type: single nucleotide variant.
Coding change: c.3890C>T on transcript NM_138694.4 (MANE Select); coding-DNA position 3890, C replaced by T.
Protein change: p.Ala1297Val; replaces alanine 1297 with valine.
Molecular consequence: missense variant.
Genome position (GRCh38, 1-based): chr6:52,025,920, G>A on the plus strand (C>T on the coding strand, the complement: PKHD1 is on the minus strand). VCF-style: chr6-52025920-G-A. GRCh37 (hg19) VCF-style: chr6-51890718-G-A.
Other names: c.3890C>T, p.Ala1297Val (NM_170724.3); short protein forms A1297V.
Identifiers: ClinVar variation 188126 (VCV000188126.23), dbSNP rs747436583, ClinGen allele CA334107.